The following is an entry in ClinVar:

NM_007254.4(PNKP):c.817-362C>A

Gene: PNKP (polynucleotide kinase 3'-phosphatase; minus strand). Cytogenetic location: 19q13.33.
Variant type: single nucleotide variant.
Coding change: c.817-362C>A on transcript NM_007254.4 (MANE Select); 362 bases into the intron before coding-DNA position 817, C replaced by A.
Molecular consequence: intron variant.
Genome position (GRCh38, 1-based): chr19:49,863,100, G>T on the plus strand (C>A on the coding strand, the complement: PNKP is on the minus strand). VCF-style: chr19-49863100-G-T. GRCh37 (hg19) VCF-style: chr19-50366357-G-T.
Identifiers: ClinVar variation 4851775 (VCV004851775.1).
Genomic context (GRCh38, chr19:49,863,100, plus strand): 5'-TCCCCCTCCCTCAGGGCAAAAGCGGGGCCCTCCCTGTGGCCCTGCCCTCTCCCCTCCCTC[G>T]CTTAGAGCCAGCCGCATGGGCCTCGCTGTCCCTAACTAGCCCAGGCTAGGGACTGCCTCA-3'

ClinVar aggregate classification (germline): Uncertain significance (1 of 4 stars; one submission).

gnomAD v4.1: 46 of 152,196 alleles (0.03%); highest among the groups gnomAD compares: Admixed American, 0.059%; no homozygotes.

Submission:

Greenwood Genetic Center Diagnostic Laboratories, Greenwood Genetic Center
Classification: Uncertain significance. Last evaluated: 2025-01-29. Review status: criteria provided, single submitter. Criteria: ACMG Guidelines, 2015. Collection method: clinical testing. Allele origin: germline.
Comment: PM3_Supporting, BP4